The following is an entry in ClinVar:

ClinVar aggregate classification (germline): Likely benign (0 of 4 stars; one submission).

Conditions:
RUBCN-related disorder. Also called: RUBCN-related condition.

Allele frequency attached by ClinVar (database versions not stated): TOPMed 0.00047; ESP Exome Variant Server 0.00057; 1000 Genomes Project 30x 0.00062; ExAC 0.00075; 1000 Genomes Project 0.00100.
gnomAD v4.1: 1,192 of 1,614,192 alleles (0.074%); highest among the groups gnomAD compares: Admixed American, 0.068%; 2 homozygotes.

Submission:

PreventionGenetics, part of Exact Sciences
Classification: Likely benign for RUBCN-related condition. Last evaluated: 2020-03-20. Review status: no assertion criteria provided. Collection method: clinical testing. Allele origin: germline.
Comment: This variant is classified as likely benign based on ACMG/AMP sequence variant interpretation guidelines (Richards et al. 2015 PMID: 25741868, with internal and published modifications).

NM_014687.4(RUBCN):c.2623G>A (p.Ala875Thr)

Gene: RUBCN (rubicon autophagy regulator; minus strand). Cytogenetic location: 3q29.
Variant type: single nucleotide variant.
Coding change: c.2623G>A on transcript NM_014687.4 (MANE Select); coding-DNA position 2623, G replaced by A.
Protein change: p.Ala875Thr; replaces alanine 875 with threonine.
Molecular consequence: missense variant.
Genome position (GRCh38, 1-based): chr3:197,676,908, C>T on the plus strand (G>A on the coding strand, the complement: RUBCN is on the minus strand). VCF-style: chr3-197676908-C-T. GRCh37 (hg19) VCF-style: chr3-197403779-C-T.
Other names: c.2488G>A, p.Ala830Thr (NM_001145642.5); c.2740G>A, p.Ala914Thr (NM_001346873.2); short protein forms A830T, A875T, A914T.
Identifiers: ClinVar variation 3042841 (VCV003042841.2), dbSNP rs183738683, ClinGen allele CA2786510.